The following is an entry in ClinVar:

ClinVar aggregate classification (germline): Likely pathogenic (1 of 4 stars; one submission).

gnomAD v4.1: 1 of 1,613,982 alleles (0.000062%); highest among the groups gnomAD compares: Non-Finnish European, 0.000085%; no homozygotes.

Submission:

Labcorp Genetics (formerly Invitae), Labcorp
Classification: Likely pathogenic. Last evaluated: 2022-09-09. Review status: criteria provided, single submitter. Criteria: Invitae Variant Classification Sherloc (09022015). Collection method: clinical testing. Allele origin: germline.
Comment: Disruption of this splice site has been observed in individual(s) with congenital hypogonadotrophic hypogonadism (PMID: 27094476). In summary, the currently available evidence indicates that the variant is pathogenic, but additional data are needed to prove that conclusively. Therefore, this variant has been classified as Likely Pathogenic. Algorithms developed to predict the effect of sequence changes on RNA splicing suggest that this variant may disrupt the consensus splice site. This variant is not present in population databases (gnomAD no frequency). This sequence change affects a donor splice site in intron 4 of the TAC3 gene. It is expected to disrupt RNA splicing. Variants that disrupt the donor or acceptor splice site typically lead to a loss of protein function (PMID: 16199547), and loss-of-function variants in TAC3 are known to be pathogenic (PMID: 20194706, 20332248, 25077900).

Literature cited by the submitters: PubMed 27094476; PubMed 16199547; PubMed 20194706; PubMed 20332248; PubMed 25077900.

NM_013251.4(TAC3):c.238+1G>C

Gene: TAC3 (tachykinin precursor 3; minus strand). Cytogenetic location: 12q13.3.
Variant type: single nucleotide variant.
Coding change: c.238+1G>C on transcript NM_013251.4 (MANE Select); the canonical splice donor site of the intron after coding-DNA position 238, G replaced by C.
Molecular consequence: splice donor variant.
Genome position (GRCh38, 1-based): chr12:57,013,358, C>G on the plus strand (G>C on the coding strand, the complement: TAC3 is on the minus strand). VCF-style: chr12-57013358-C-G. GRCh37 (hg19) VCF-style: chr12-57407142-C-G.
Other names: c.238+1G>C (NM_001178054.2).
Identifiers: ClinVar variation 2029736 (VCV002029736.4), dbSNP rs2547948030, ClinGen allele CA385396630.